The following is an entry in ClinVar:

ClinVar aggregate classification (germline): Likely pathogenic (1 of 4 stars; one submission).

Submission:

Labcorp Genetics (formerly Invitae), Labcorp
Classification: Likely pathogenic. Last evaluated: 2022-08-16. Review status: criteria provided, single submitter. Criteria: Invitae Variant Classification Sherloc (09022015). Collection method: clinical testing. Allele origin: germline.
Comment: This sequence change affects an acceptor splice site in intron 4 of the ASNS gene. It is expected to disrupt RNA splicing. Variants that disrupt the donor or acceptor splice site typically lead to a loss of protein function (PMID: 16199547), and loss-of-function variants in ASNS are known to be pathogenic (PMID: 27422383, 30057589). In summary, the currently available evidence indicates that the variant is pathogenic, but additional data are needed to prove that conclusively. Therefore, this variant has been classified as Likely Pathogenic. Algorithms developed to predict the effect of sequence changes on RNA splicing suggest that this variant may disrupt the consensus splice site. This variant has not been reported in the literature in individuals affected with ASNS-related conditions. This variant is not present in population databases (gnomAD no frequency).

Literature cited by the submitters: PubMed 16199547; PubMed 27422383; PubMed 30057589.

NM_001673.5(ASNS):c.488-1G>C

Genes: ASNS (asparagine synthetase (glutamine-hydrolyzing); minus strand), CZ1P-ASNS (CZ1P-ASNS readthrough; minus strand). Cytogenetic location: 7q21.3.
Variant type: single nucleotide variant.
Coding change: c.488-1G>C on transcript NM_001673.5 (MANE Select); the canonical splice acceptor site of the intron before coding-DNA position 488, G replaced by C.
Molecular consequence: splice acceptor variant.
Genome position (GRCh38, 1-based): chr7:97,859,399, C>G on the plus strand (G>C on the coding strand, the complement: ASNS is on the minus strand). VCF-style: chr7-97859399-C-G. GRCh37 (hg19) VCF-style: chr7-97488711-C-G.
Other names: c.488-1G>C (NM_001352496.2, NM_183356.4, NM_133436.3); c.239-1G>C (NM_001178076.2, NM_001178077.1); c.425-1G>C (NM_001178075.2).
Identifiers: ClinVar variation 2112837 (VCV002112837.4), dbSNP rs2484662971, ClinGen allele CA368270349.